The following is an entry in ClinVar:

ClinVar aggregate classification (germline): Benign/Likely benign. Review status: criteria provided, multiple submitters, no conflicts (2 of 4 stars). 4 submissions from 4 submitters: Benign (2); Likely benign (2). Last evaluated 2025-11-25.

Allele frequency attached by ClinVar (database versions not stated): gnomAD exomes 0.00016 and 0.00035; ExAC 0.00036; ESP Exome Variant Server 0.00108; 1000 Genomes Project 0.00140; 1000 Genomes Project 30x 0.00141; gnomAD 0.00142 and 0.00145; TOPMed 0.00157.
gnomAD v4.1: 453 of 1,612,302 alleles (0.028%); highest among the groups gnomAD compares: African/African-American, 0.53%; 1 homozygote.

Submissions (4):

Labcorp Genetics (formerly Invitae), Labcorp
Classification: Benign. Last evaluated: 2025-11-25. Review status: criteria provided, single submitter. Criteria: Invitae Variant Classification Sherloc (09022015). Collection method: clinical testing. Allele origin: germline.

Mayo Clinic Laboratories, Mayo Clinic
Classification: Likely benign. Last evaluated: 2025-08-26. Review status: criteria provided, single submitter. Criteria: ACMG Guidelines, 2015. Collection method: clinical testing. Allele origin: germline. Observed: 2 variant alleles.
Comment: BS1, BP4, BP7

Blueprint Genetics
Classification: Likely benign. Last evaluated: 2024-09-23. Review status: criteria provided, single submitter. Criteria: ACMG Guidelines, 2015. Collection method: clinical testing. Allele origin: germline.

Breakthrough Genomics
Classification: Benign. Review status: criteria provided, single submitter. Criteria: ACMG Guidelines, 2015. Collection method: not provided. Allele origin: germline. Inheritance: Autosomal recessive inheritance. Affected: yes.

NM_004817.4(TJP2):c.1781-16T>C

Gene: TJP2 (tight junction protein 2; plus strand). Cytogenetic location: 9q21.11.
Variant type: single nucleotide variant.
Coding change: c.1781-16T>C on transcript NM_004817.4 (MANE Select); 16 bases into the intron before coding-DNA position 1781, T replaced by C.
Molecular consequence: intron variant.
Genome position (GRCh38, 1-based): chr9:69,236,012, T>C. VCF-style: chr9-69236012-T-C. GRCh37 (hg19) VCF-style: chr9-71850928-T-C.
Other names: p.?; c.1712-16T>C (NM_001170414.2, NM_001369871.1); c.1706-16T>C (NM_001369870.1); c.1781-16T>C (NM_201629.3, NM_001369872.1, NM_001369873.1); c.1793-16T>C (NM_001170415.1, NM_001369875.1, NM_001369874.1); c.1874-16T>C (NM_001170416.2).
Identifiers: ClinVar variation 1600494 (VCV001600494.11), dbSNP rs59088021, ClinGen allele CA5073481.